The following is an entry in ClinVar:

ClinVar aggregate classification (germline): Likely benign (1 of 4 stars; one submission).

Conditions:
Arthrogryposis multiplex congenita 7, X-linked. Identifiers: MedGen C5974872, MONDO:0975826, OMIM 301127.

gnomAD v4.1: 1 of 1,173,699 alleles (0.000085%); highest among the groups gnomAD compares: South Asian, 0.0019%; no homozygotes.

Submission:

Centre for Medical Genetics,  Mumbai
Classification: Likely benign for Arthrogryposis multiplex congenita 7, X-linked. Last evaluated: 2026-03-23. Review status: criteria provided, single submitter. Criteria: ACMG Guidelines, 2015. Collection method: provider interpretation. Allele origin: germline. Inheritance: X-linked recessive inheritance. Affected: no. Observed: 1 variant allele, 1 homozygote.
Comment: The variant satisfies PM2 criteria; Extremely low frequency in gnomAD population databases. The variant satisfies BP4 criteria; For a missense or a splice region variant, computational prediction tools unanimously support a benign effect on the gene. However, the variant satisfies BS2 criteria.

Literature cited by the submitters: PubMed 34976470.

NM_001081550.2(THOC2):c.2899+8G>T

Gene: THOC2 (THO complex subunit 2; minus strand). Cytogenetic location: Xq25.
Variant type: single nucleotide variant.
Coding change: c.2899+8G>T on transcript NM_001081550.2 (MANE Select); 8 bases into the intron after coding-DNA position 2899, G replaced by T.
Molecular consequence: intron variant.
Genome position (GRCh38, 1-based): chrX:123,626,513, C>A on the plus strand (G>T on the coding strand, the complement: THOC2 is on the minus strand). VCF-style: chrX-123626513-C-A. GRCh37 (hg19) VCF-style: chrX-122760364-C-A.
Other names: c.2899+8G>T (NM_001441236.1, NM_001441235.1).
Identifiers: ClinVar variation 4819941 (VCV004819941.1).
Genomic context (GRCh38, chrX:123,626,513, plus strand): 5'-CTAAAGTTATAATGTTTTGTTTTCTGTAATTTACCAGCATCAGGAACCTAACAATTCCAA[C>A]AACTTACTTGCTAAAAGCCAGTTGTCCTTTTCCAGTTTCAATCTCTGTAGAACTCTCTGT-3'